The following is an entry in ClinVar:

ClinVar aggregate classification (germline): Likely benign (1 of 4 stars; one submission).

Allele frequency attached by ClinVar (database versions not stated): TOPMed below 0.00001; gnomAD 0.00001.
gnomAD v4.1: 20 of 1,613,906 alleles (0.0012%); highest among the groups gnomAD compares: South Asian, 0.0022%; no homozygotes.

Submission:

CeGaT Center for Human Genetics Tuebingen
Classification: Likely benign. Last evaluated: 2022-06-01. Review status: criteria provided, single submitter. Criteria: CeGaT Center For Human Genetics Tuebingen Variant Classification Criteria Version 2. Collection method: clinical testing. Allele origin: germline. Affected: yes. Observed: 1 variant allele.
Comment: MDN1: BP4, BP7

NM_014611.3(MDN1):c.5586G>A (p.Thr1862=)

Gene: MDN1 (midasin AAA ATPase 1; minus strand). Cytogenetic location: 6q15.
Variant type: single nucleotide variant.
Coding change: c.5586G>A on transcript NM_014611.3 (MANE Select); coding-DNA position 5586, G replaced by A.
Protein change: p.Thr1862=; no amino-acid change (threonine 1862 retained).
Molecular consequence: synonymous variant.
Genome position (GRCh38, 1-based): chr6:89,725,283, C>T on the plus strand (G>A on the coding strand, the complement: MDN1 is on the minus strand). VCF-style: chr6-89725283-C-T. GRCh37 (hg19) VCF-style: chr6-90435002-C-T.
Identifiers: ClinVar variation 2656767 (VCV002656767.24), dbSNP rs376719538, ClinGen allele CA3924795.